The following is an entry in ClinVar:

ClinVar aggregate classification (germline): Uncertain significance (1 of 4 stars; one submission).

Conditions:
Pyruvate carboxylase deficiency. Also called: Pyruvate Carboxylase Deficiency Disease; LEIGH NECROTIZING ENCEPHALOPATHY DUE TO PYRUVATE CARBOXYLASE DEFICIENCY; LEIGH SYNDROME DUE TO PYRUVATE CARBOXYLASE DEFICIENCY; PC DEFICIENCY; ATAXIA WITH LACTIC ACIDOSIS II. Identifiers: Orphanet 3008, MedGen C0034341, MONDO:0009949, OMIM 266150.

gnomAD v4.1: 1 of 1,613,230 alleles (0.000062%); highest among the groups gnomAD compares: Non-Finnish European, 0.000085%; no homozygotes.

Submission:

Labcorp Genetics (formerly Invitae), Labcorp
Classification: Uncertain significance for Pyruvate carboxylase deficiency. Last evaluated: 2022-05-27. Review status: criteria provided, single submitter. Criteria: Invitae Variant Classification Sherloc (09022015). Collection method: clinical testing. Allele origin: germline.
Comment: This sequence change replaces proline, which is neutral and non-polar, with arginine, which is basic and polar, at codon 358 of the PC protein (p.Pro358Arg). This variant is not present in population databases (gnomAD no frequency). This variant has not been reported in the literature in individuals affected with PC-related conditions. Algorithms developed to predict the effect of missense changes on protein structure and function are either unavailable or do not agree on the potential impact of this missense change (SIFT: "Deleterious"; PolyPhen-2: "Benign"; Align-GVGD: "Class C0"). In summary, the available evidence is currently insufficient to determine the role of this variant in disease. Therefore, it has been classified as a Variant of Uncertain Significance.

NM_001040716.2(PC):c.1073C>G (p.Pro358Arg)

Gene: PC (pyruvate carboxylase; minus strand). Cytogenetic location: 11q13.2.
Variant type: single nucleotide variant.
Coding change: c.1073C>G on transcript NM_001040716.2 (MANE Select); coding-DNA position 1073, C replaced by G.
Protein change: p.Pro358Arg; replaces proline 358 with arginine.
Molecular consequence: missense variant.
Genome position (GRCh38, 1-based): chr11:66,866,299, G>C on the plus strand (C>G on the coding strand, the complement: PC is on the minus strand). VCF-style: chr11-66866299-G-C. GRCh37 (hg19) VCF-style: chr11-66633770-G-C.
Other names: c.1073C>G, p.Pro358Arg (NM_000920.4, NM_022172.3); short protein forms P358R.
Identifiers: ClinVar variation 1943916 (VCV001943916.5), dbSNP rs1189907044, ClinGen allele CA381499609.
Genomic context (GRCh38, chr11:66,866,299, plus strand): 5'-ACCCGGCACTGGATGGCACACCCGTTGATGCGGATGTTCTCCTGCCGCAGGCCCAGGTCG[G>C]GTAGGCTCCTGCCCTCAGCCACGTGGATCTGAGCATGGACCAGGTCTACGCTGTAGGGCA-3'
Protein context (NP_001035806.1, residues 348-368): QIHVAEGRSL[Pro358Arg]DLGLRQENIR